The following is an entry in ClinVar:

NM_000038.6(APC):c.3783T>A (p.Thr1261=)

Gene: APC (APC regulator of WNT signaling pathway; plus strand). Cytogenetic location: 5q22.2.
Variant type: single nucleotide variant.
Coding change: c.3783T>A on transcript NM_000038.6 (MANE Select); coding-DNA position 3783, T replaced by A.
Protein change: p.Thr1261=; no amino-acid change (threonine 1261 retained).
Molecular consequence: synonymous variant.
Genome position (GRCh38, 1-based): chr5:112,839,377, T>A. VCF-style: chr5-112839377-T-A. GRCh37 (hg19) VCF-style: chr5-112175074-T-A.
Other names: c.3783T>A, p.Thr1261= (NM_001127510.3, NM_001354895.2); c.3729T>A, p.Thr1243= (NM_001127511.3); c.3837T>A, p.Thr1279= (NM_001354896.2); c.3813T>A, p.Thr1271= (NM_001354897.2); c.3708T>A, p.Thr1236= (NM_001354898.2); c.3699T>A, p.Thr1233= (NM_001354899.2); c.3660T>A, p.Thr1220= (NM_001354900.2); c.3606T>A, p.Thr1202= (NM_001354901.2); and 5 more.
Identifiers: ClinVar variation 997889 (VCV000997889.1), dbSNP rs1765520410, ClinGen allele CA445963693.
Genomic context (GRCh38, chr5:112,839,377, plus strand): 5'-TCAGCCTCAAAAGGCTGCCACTTGCAAAGTTTCTTCTATTAACCAAGAAACAATACAGAC[T>A]TATTGTGTAGAAGATACTCCAATATGTTTTTCAAGATGTAGTTCATTATCATCTTTGTCA-3'
Protein context (NP_000029.2, residues 1251-1271): VSSINQETIQ[Thr1261=]YCVEDTPICF

ClinVar aggregate classification (germline): Likely benign (1 of 4 stars; one submission).

Submission:

Women's Health and Genetics/Laboratory Corporation of America, LabCorp
Classification: Likely benign. Last evaluated: 2021-02-25. Review status: criteria provided, single submitter. Criteria: LabCorp Variant Classification Summary - May 2015. Collection method: clinical testing. Allele origin: germline.
Comment: Variant summary: APC c.3783T>A alters a non-conserved nucleotide resulting in a synonymous change. 4/4 computational tools predict no significant impact on normal splicing. However, these predictions have yet to be confirmed by functional studies. The variant was absent in 250350 control chromosomes (gnomAD). The available data on variant occurrences in the general population are insufficient to allow any conclusion about variant significance. To our knowledge, no occurrence of c.3783T>A in individuals affected with Familial Adenomatous Polyposis and no experimental evidence demonstrating its impact on protein function have been reported. No clinical diagnostic laboratories have submitted clinical-significance assessments for this variant to ClinVar after 2014. Based on the evidence outlined above, the variant was classified as likely benign.